The following is an entry in ClinVar:

NM_000057.4(BLM):c.959G>C (p.Ser320Thr)

Gene: BLM (BLM RecQ like helicase; plus strand). Cytogenetic location: 15q26.1.
Variant type: single nucleotide variant.
Coding change: c.959G>C on transcript NM_000057.4 (MANE Select); coding-DNA position 959, G replaced by C.
Protein change: p.Ser320Thr; replaces serine 320 with threonine.
Molecular consequence: missense variant. On other transcripts: 5 prime UTR variant (1).
Genome position (GRCh38, 1-based): chr15:90,751,946, G>C. VCF-style: chr15-90751946-G-C. GRCh37 (hg19) VCF-style: chr15-91295176-G-C.
Other names: c.959G>C, p.Ser320Thr (NM_001287246.2, NM_001287247.2); c.-333G>C (NM_001287248.2); short protein forms S320T.
Identifiers: ClinVar variation 581582 (VCV000581582.17), dbSNP rs757112333, ClinGen allele CA7738396.

ClinVar aggregate classification (germline): Uncertain significance. Review status: criteria provided, multiple submitters, no conflicts (2 of 4 stars). 4 submissions from 4 submitters: Uncertain significance (3). 1 of the submissions does not count toward it. Last evaluated 2025-01-05.

Conditions:
Hereditary cancer-predisposing syndrome. Also called: Neoplastic Syndromes, Hereditary; Hereditary Cancer Syndrome; Tumor predisposition; Hereditary neoplastic syndrome. Identifiers: Orphanet 140162, MedGen C0027672, MeSH D009386, MONDO:0015356.
Bloom syndrome (BLM). Also called: Bloom-Torre-Machacek syndrome. Identifiers: Orphanet 125, MedGen C0005859, MONDO:0008876, OMIM 210900.

Allele frequency attached by ClinVar (database versions not stated): gnomAD exomes below 0.00001 and 0.00001; ExAC 0.00001; TOPMed 0.00001.
gnomAD v4.1: 13 of 1,606,346 alleles (0.00081%); highest among the groups gnomAD compares: African/African-American, 0.004%; no homozygotes.

Submissions (4):

Labcorp Genetics (formerly Invitae), Labcorp
Classification: Uncertain significance for Bloom syndrome. Last evaluated: 2025-01-05. Review status: criteria provided, single submitter. Criteria: Invitae Variant Classification Sherloc (09022015). Collection method: clinical testing. Allele origin: germline.
Comment: This sequence change replaces serine, which is neutral and polar, with threonine, which is neutral and polar, at codon 320 of the BLM protein (p.Ser320Thr). This variant also falls at the last nucleotide of exon 4, which is part of the consensus splice site for this exon. This variant is present in population databases (rs757112333, gnomAD 0.0009%). This variant has not been reported in the literature in individuals affected with BLM-related conditions. ClinVar contains an entry for this variant (Variation ID: 581582). An algorithm developed to predict the effect of missense changes on protein structure and function (PolyPhen-2) suggests that this variant is likely to be disruptive. Variants that disrupt the consensus splice site are a relatively common cause of aberrant splicing (PMID: 17576681, 9536098). Studies have shown that this missense change is associated with inconclusive levels of altered splicing (internal data). In summary, the available evidence is currently insufficient to determine the role of this variant in disease. Therefore, it has been classified as a Variant of Uncertain Significance.

Ambry Genetics
Classification: Uncertain significance for Hereditary cancer-predisposing syndrome. Last evaluated: 2023-04-24. Review status: criteria provided, single submitter. Criteria: Ambry Variant Classification Scheme 2023. Collection method: clinical testing. Allele origin: germline.
Comment: The c.959G>C variant (also known as p.S320T), located in coding exon 3 of the BLM gene, results from a G to C substitution at nucleotide position 959. The amino acid change results in serine to threonine at codon 320, an amino acid with similar properties. However, this change occurs in the last base pair of coding exon 3, which makes it likely to have some effect on normal mRNA splicing. The nucleotide and amino acid positions are highly conserved in available vertebrate species. In silico splice site analysis predicts that this alteration will weaken the native splice donor site; however, direct evidence is insufficient at this time (Ambry internal data). In addition, as a missense substitution, this alteration is predicted to be tolerated by in silico analysis. Since supporting evidence is limited at this time, the clinical significance of this alteration remains unclear.

GeneDx
Classification: Uncertain significance. Last evaluated: 2021-04-08. Review status: criteria provided, single submitter. Criteria: GeneDx Variant Classification Process June 2021. Collection method: clinical testing. Allele origin: germline. Affected: yes.
Comment: Not observed at a significant frequency in large population cohorts (Lek 2016); In silico analysis supports a deleterious effect on splicing; In silico analysis supports that this missense variant does not alter protein structure/function; Has not been previously published as pathogenic or benign to our knowledge

Natera, Inc.
Classification: Uncertain significance for Bloom syndrome. Last evaluated: 2020-09-16. Review status: no assertion criteria provided. Collection method: clinical testing. Allele origin: germline. Not counted in ClinVar's aggregate classification.

Literature cited by the submitters: PubMed 17576681 (cited by Labcorp Genetics (formerly Invitae), Labcorp); PubMed 9536098 (cited by Labcorp Genetics (formerly Invitae), Labcorp).